The following is an entry in ClinVar:

NM_000038.6(APC):c.3440A>G (p.Tyr1147Cys)

Gene: APC (APC regulator of Wnt signaling pathway; plus strand). Cytogenetic location: 5q22.2.
Variant type: single nucleotide variant.
Coding change: c.3440A>G on transcript NM_000038.6 (MANE Select); coding-DNA position 3440, A replaced by G.
Protein change: p.Tyr1147Cys; replaces tyrosine 1147 with cysteine.
Molecular consequence: missense variant. On other transcripts: non-coding transcript variant (2).
Genome position (GRCh38, 1-based): chr5:112,839,034, A>G. VCF-style: chr5-112839034-A-G. GRCh37 (hg19) VCF-style: chr5-112174731-A-G.
Other names: c.3440A>G (NM_000038.5); c.3440A>G, p.Tyr1147Cys (NM_001127510.3, NM_001354895.2, NM_001407450.1); c.3386A>G, p.Tyr1129Cys (NM_001127511.3); c.3494A>G, p.Tyr1165Cys (NM_001354896.2, NM_001407447.1, NM_001407448.1 and 1 more transcripts); c.3470A>G, p.Tyr1157Cys (NM_001354897.2); c.3365A>G, p.Tyr1122Cys (NM_001354898.2); c.3356A>G, p.Tyr1119Cys (NM_001354899.2); c.3317A>G, p.Tyr1106Cys (NM_001354900.2); and 12 more; short protein forms Y1056C, Y1064C, Y1129C, Y1119C, Y1165C, Y1175C, Y763C, Y987C.
Identifiers: ClinVar variation 3706010 (VCV003706010.4).

ClinVar aggregate classification (germline): Uncertain significance. Review status: criteria provided, multiple submitters, no conflicts (2 of 4 stars). 3 submissions from 3 submitters: Uncertain significance (3). Last evaluated 2026-03-18.

Conditions:
Familial adenomatous polyposis 1 (FAP1). Also called: FAMILIAL ADENOMATOUS POLYPOSIS 1, ATTENUATED; POLYPOSIS, ADENOMATOUS INTESTINAL. Identifiers: MedGen C2713442, MONDO:0021056, OMIM 175100. Disease mechanism: loss of function.
Hereditary cancer-predisposing syndrome. Also called: Hereditary Cancer Syndrome; Hereditary neoplastic syndrome; Neoplastic Syndromes, Hereditary; Tumor predisposition. Identifiers: Orphanet 140162, MedGen C0027672, MeSH D009386, MONDO:0015356.

gnomAD v4.1: 1 of 1,614,122 alleles (0.000062%); highest among the groups gnomAD compares: Non-Finnish European, 0.000085%; no homozygotes.

Submissions (3):

Ambry Genetics
Classification: Uncertain significance for Hereditary cancer-predisposing syndrome. Last evaluated: 2026-03-18. Review status: criteria provided, single submitter. Criteria: Ambry Variant Classification Scheme 2023. Collection method: clinical testing. Allele origin: germline.
Comment: The p.Y1147C variant (also known as c.3440A>G), located in coding exon 15 of the APC gene, results from an A to G substitution at nucleotide position 3440. The tyrosine at codon 1147 is replaced by cysteine, an amino acid with highly dissimilar properties. This amino acid position is conserved. In addition, in silico predictors for this gene do not accurately predict pathogenicity. Based on the available evidence, the clinical significance of this variant remains unclear.

Labcorp Genetics (formerly Invitae), Labcorp
Classification: Uncertain significance for Familial adenomatous polyposis 1. Last evaluated: 2025-07-03. Review status: criteria provided, single submitter. Criteria: Invitae Variant Classification Sherloc (09022015). Collection method: clinical testing. Allele origin: germline.
Comment: This sequence change replaces tyrosine, which is neutral and polar, with cysteine, which is neutral and slightly polar, at codon 1147 of the APC protein (p.Tyr1147Cys). This variant is not present in population databases (gnomAD no frequency). This variant has not been reported in the literature in individuals affected with APC-related conditions. ClinVar contains an entry for this variant (Variation ID: 3706010). Invitae Evidence Modeling of protein sequence and biophysical properties (such as structural, functional, and spatial information, amino acid conservation, physicochemical variation, residue mobility, and thermodynamic stability) has been performed for this missense variant. However, the output from this modeling did not meet the statistical confidence thresholds required to predict the impact of this variant on APC protein function. In summary, the available evidence is currently insufficient to determine the role of this variant in disease. Therefore, it has been classified as a Variant of Uncertain Significance.

GeneDx
Classification: Uncertain significance. Last evaluated: 2024-12-06. Review status: criteria provided, single submitter. Criteria: GeneDx Variant Classification Process June 2021. Collection method: clinical testing. Allele origin: germline. Affected: yes.
Comment: Not observed at significant frequency in large population cohorts (gnomAD); In silico analysis indicates that this missense variant does not alter protein structure/function; Has not been previously published as pathogenic or benign to our knowledge; This variant is associated with the following publications: (PMID: 18199528)